The following is an entry in ClinVar:

ClinVar aggregate classification (germline): Likely pathogenic (0 of 4 stars; one submission).

Conditions:
Gaucher disease type I (GD1). Also called: GAUCHER DISEASE, NONCEREBRAL JUVENILE; GBA DEFICIENCY; GD I; GLUCOCEREBROSIDASE DEFICIENCY; Type 1 Gaucher Disease; GD 1. Identifiers: Orphanet 355, Orphanet 77259, MedGen C1961835, MONDO:0009265, OMIM 230800.

Submission:

Foundation for Research in Genetics and Endocrinology, FRIGE's Institute of Human Genetics
Classification: Likely pathogenic for Gaucher disease type I. Last evaluated: 2013-04-23. Review status: no assertion criteria provided. Collection method: research. Allele origin: germline. Inheritance: Autosomal recessive inheritance. Affected: yes. Observed: 1 homozygote.
Comment: Variant c.866G>C/p.G289A (ENST00000368373) was found to be pathogenuc by online software like Mutation Taster and Polyphen-2 software.

NM_000157.4(GBA1):c.866G>C (p.Gly289Ala)

Genes: GBA1 (glucosylceramidase beta 1; minus strand), LOC106627981 (GBA recombination region; plus strand). Cytogenetic location: 1q22.
Variant type: single nucleotide variant.
Coding change: c.866G>C on transcript NM_000157.4 (MANE Select); coding-DNA position 866, G replaced by C.
Protein change: p.Gly289Ala; replaces glycine 289 with alanine.
Molecular consequence: missense variant.
Genome position (GRCh38, 1-based): chr1:155,237,474, C>G on the plus strand (G>C on the coding strand, the complement: GBA1 is on the minus strand). VCF-style: chr1-155237474-C-G. GRCh37 (hg19) VCF-style: chr1-155207265-C-G.
Other names: c.866G>C, p.Gly289Ala (NM_001005741.3, NM_001005742.3); c.605G>C, p.Gly202Ala (NM_001171811.2); c.719G>C, p.Gly240Ala (NM_001171812.2); short protein forms G289A, G202A, G240A.
Identifiers: ClinVar variation 236406 (VCV000236406.4), dbSNP rs878853321, ClinGen allele CA10581619.